The following is an entry in ClinVar:

NM_001005242.3(PKP2):c.975C>T (p.Ala325=)

Gene: PKP2 (plakophilin 2; minus strand). Cytogenetic location: 12p11.21.
Variant type: single nucleotide variant.
Coding change: c.975C>T on transcript NM_001005242.3 (MANE Select); coding-DNA position 975, C replaced by T.
Protein change: p.Ala325=; no amino-acid change (alanine 325 retained).
Molecular consequence: synonymous variant.
Genome position (GRCh38, 1-based): chr12:32,877,905, G>A on the plus strand (C>T on the coding strand, the complement: PKP2 is on the minus strand). VCF-style: chr12-32877905-G-A. GRCh37 (hg19) VCF-style: chr12-33030839-G-A.
Other names: c.975C>T, p.Ala325= (NM_004572.4).
Identifiers: ClinVar variation 382148 (VCV000382148.11), dbSNP rs369921166, ClinGen allele CA039756.
Genomic context (GRCh38, chr12:32,877,905, plus strand): 5'-CCCCAGCTGGGAGTCAGTGAAAGTGCTTCTCTCAGTGAGCAGATTCCCACTTCCCCCTGC[G>A]GCCGCCTGGCCGACAGTCAAGTGCGCTCTCCTCCCGCTGGAATCCACGGCGACACTGGGC-3'
Protein context (NP_001005242.2, residues 315-335): RRAHLTVGQA[Ala325=]AGGSGNLLTE

ClinVar aggregate classification (germline): Likely benign. Review status: criteria provided, multiple submitters, no conflicts (2 of 4 stars). 2 submissions from 2 submitters: Likely benign (2). Last evaluated 2025-07-09.

Conditions:
Arrhythmogenic right ventricular dysplasia 9 (ARVD9). Also called: ARRHYTHMOGENIC RIGHT VENTRICULAR DYSPLASIA, FAMILIAL, 9; Arrhythmogenic Right Ventricular Dysplasia/Cardiomyopathy 9. Identifiers: MedGen C1836906, MONDO:0012180, OMIM 609040.

Allele frequency attached by ClinVar (database versions not stated): ExAC 0.00001; gnomAD exomes 0.00001; TOPMed 0.00001; ESP Exome Variant Server 0.00008.
gnomAD v4.1: 17 of 1,614,134 alleles (0.0011%); highest among the groups gnomAD compares: East Asian, 0.0022%; no homozygotes.

Submissions (2):

Labcorp Genetics (formerly Invitae), Labcorp
Classification: Likely benign for Arrhythmogenic right ventricular dysplasia 9. Last evaluated: 2025-07-09. Review status: criteria provided, single submitter. Criteria: Invitae Variant Classification Sherloc (09022015). Collection method: clinical testing. Allele origin: germline.

GeneDx
Classification: Likely benign. Last evaluated: 2015-12-07. Review status: criteria provided, single submitter. Criteria: GeneDx Variant Classification (06012015). Collection method: clinical testing. Allele origin: germline. Affected: yes.
Comment: This variant is considered likely benign or benign based on one or more of the following criteria: it is a conservative change, it occurs at a poorly conserved position in the protein, it is predicted to be benign by multiple in silico algorithms, and/or has population frequency not consistent with disease.